The following is an entry in ClinVar:

ClinVar aggregate classification (germline): Conflicting classifications of pathogenicity. Review status: criteria provided, conflicting classifications (1 of 4 stars). 4 submissions from 4 submitters: Pathogenic (2); Uncertain significance (2). Last evaluated 2026-01-27.

Conditions:
INPP5E-related disorder. Also called: INPP5E-related condition.
Joubert syndrome. Also called: Familial aplasia of the vermis; JOUBERT-BOLTSHAUSER SYNDROME. Identifiers: Orphanet 475, MedGen C5979921, MONDO:0018772.

Allele frequency attached by ClinVar (database versions not stated): TOPMed 0.00001; gnomAD 0.00002 and 0.00003.
gnomAD v4.1: 35 of 1,591,366 alleles (0.0022%); highest among the groups gnomAD compares: Middle Eastern, 0.016%; no homozygotes.

Submissions (4):

Labcorp Genetics (formerly Invitae), Labcorp
Classification: Pathogenic for Joubert syndrome. Last evaluated: 2026-01-27. Review status: criteria provided, single submitter. Criteria: Invitae Variant Classification Sherloc (09022015). Collection method: clinical testing. Allele origin: germline.
Comment: This sequence change replaces threonine, which is neutral and polar, with methionine, which is neutral and non-polar, at codon 355 of the INPP5E protein (p.Thr355Met). This variant is present in population databases (no rsID available, gnomAD no frequency). This missense change has been observed in individual(s) with Joubert syndrome (PMID: 26092869). ClinVar contains an entry for this variant (Variation ID: 217655). Invitae Evidence Modeling of protein sequence and biophysical properties (such as structural, functional, and spatial information, amino acid conservation, physicochemical variation, residue mobility, and thermodynamic stability) indicates that this missense variant is expected to disrupt INPP5E protein function with a positive predictive value of 80%. For these reasons, this variant has been classified as Pathogenic.

PreventionGenetics, part of Exact Sciences
Classification: Uncertain significance for INPP5E-related condition. Last evaluated: 2025-10-15. Review status: criteria provided, single submitter. Criteria: ACMG Guidelines, 2015. Collection method: clinical testing. Allele origin: germline.
Comment: The INPP5E c.1064C>T variant is predicted to result in the amino acid substitution p.Thr355Met. This variant was reported in compound heterozygous and apparently homozygous states in two individuals with Joubert syndrome (Table S5, Bachmann-Gagescu et al. 2015. PubMed ID: 26092869). This variant is reported in 1 allele out of 31350 alleles in gnomAD. At this time, the clinical significance of this variant is uncertain due to the absence of conclusive functional and genetic evidence.

Blueprint Genetics
Classification: Uncertain significance. Last evaluated: 2019-07-02. Review status: criteria provided, single submitter. Criteria: ACMG Guidelines, 2015. Collection method: clinical testing. Allele origin: germline.

UW Hindbrain Malformation Research Program, University of Washington
Classification: Pathogenic for Joubert syndrome 1. Last evaluated: 2015-02-23. Review status: criteria provided, single submitter. Criteria: Bachmann-Gagescu et al. (J Med Genet. 2015). Collection method: research. Allele origin: unknown. Affected: yes.

Literature cited by the submitters: PubMed 26092869 (cited by Labcorp Genetics (formerly Invitae), Labcorp).

NM_019892.6(INPP5E):c.1064C>T (p.Thr355Met)

Gene: INPP5E (inositol polyphosphate-5-phosphatase E; minus strand). Cytogenetic location: 9q34.3.
Variant type: single nucleotide variant.
Coding change: c.1064C>T on transcript NM_019892.6 (MANE Select); coding-DNA position 1064, C replaced by T.
Protein change: p.Thr355Met; replaces threonine 355 with methionine.
Molecular consequence: missense variant.
Genome position (GRCh38, 1-based): chr9:136,433,250, G>A on the plus strand (C>T on the coding strand, the complement: INPP5E is on the minus strand). VCF-style: chr9-136433250-G-A. GRCh37 (hg19) VCF-style: chr9-139327702-G-A.
Other names: c.1064C>T, p.Thr355Met (NM_001318502.2); c.1064C>T (NM_019892.5); short protein forms T355M.
Identifiers: ClinVar variation 217655 (VCV000217655.11), dbSNP rs863225198, ClinGen allele CA279496.